The following is an entry in ClinVar:

ClinVar aggregate classification (germline): Uncertain significance. Review status: criteria provided, multiple submitters, no conflicts (2 of 4 stars). 2 submissions from 2 submitters: Uncertain significance (2). Last evaluated 2022-08-09.

Conditions:
Hereditary cancer-predisposing syndrome. Also called: Hereditary neoplastic syndrome; Hereditary Cancer Syndrome; Neoplastic Syndromes, Hereditary; Tumor predisposition. Identifiers: Orphanet 140162, MedGen C0027672, MeSH D009386, MONDO:0015356.
Haddad syndrome (OHD). Also called: Ondine-Hirschsprung disease. Identifiers: Orphanet 99803, MedGen C1859049, MONDO:0020493.

Submissions (2):

Labcorp Genetics (formerly Invitae), Labcorp
Classification: Uncertain significance for Haddad syndrome. Last evaluated: 2022-08-09. Review status: criteria provided, single submitter. Criteria: Invitae Variant Classification Sherloc (09022015). Collection method: clinical testing. Allele origin: germline.
Comment: In summary, the available evidence is currently insufficient to determine the role of this variant in disease. Therefore, it has been classified as a Variant of Uncertain Significance. Algorithms developed to predict the effect of missense changes on protein structure and function are either unavailable or do not agree on the potential impact of this missense change (SIFT: "Deleterious"; PolyPhen-2: "Not Available"; Align-GVGD: "Class C25"). ClinVar contains an entry for this variant (Variation ID: 1404632). This variant has not been reported in the literature in individuals affected with PHOX2B-related conditions. This variant is not present in population databases (gnomAD no frequency). This sequence change replaces asparagine, which is neutral and polar, with lysine, which is basic and polar, at codon 169 of the PHOX2B protein (p.Asn169Lys).

Ambry Genetics
Classification: Uncertain significance for Hereditary cancer-predisposing syndrome. Last evaluated: 2022-06-15. Review status: criteria provided, single submitter. Criteria: Ambry Variant Classification Scheme 2023. Collection method: clinical testing. Allele origin: germline.
Comment: The p.N169K variant (also known as c.507C>A), located in coding exon 3 of the PHOX2B gene, results from a C to A substitution at nucleotide position 507. The asparagine at codon 169 is replaced by lysine, an amino acid with similar properties. This amino acid position is conserved. In addition, this alteration is predicted to be tolerated by in silico analysis. Since supporting evidence is limited at this time, the clinical significance of this alteration remains unclear.

NM_003924.4(PHOX2B):c.507C>A (p.Asn169Lys)

Gene: PHOX2B (paired like homeobox 2B; minus strand). Cytogenetic location: 4p13.
Variant type: single nucleotide variant.
Coding change: c.507C>A on transcript NM_003924.4 (MANE Select); coding-DNA position 507, C replaced by A.
Protein change: p.Asn169Lys; replaces asparagine 169 with lysine.
Molecular consequence: missense variant.
Genome position (GRCh38, 1-based): chr4:41,746,245, G>T on the plus strand (C>A on the coding strand, the complement: PHOX2B is on the minus strand). VCF-style: chr4-41746245-G-T. GRCh37 (hg19) VCF-style: chr4-41748262-G-T.
Other names: short protein forms N169K.
Identifiers: ClinVar variation 1404632 (VCV001404632.8), dbSNP rs2153112810, ClinGen allele CA356738452.